The following is an entry in ClinVar:

ClinVar aggregate classification (germline): Pathogenic (1 of 4 stars; one submission).

Conditions:
Usher syndrome type 1 (USH1). Also called: RETINITIS PIGMENTOSA AND CONGENITAL DEAFNESS. Identifiers: Orphanet 231169, Orphanet 886, MedGen C1568247, MONDO:0010168, OMIM 276900.

Submission:

Myriad Genetics, Inc.
Classification: Pathogenic for Usher syndrome type 1. Last evaluated: 2025-04-24. Review status: criteria provided, single submitter. Criteria: Myriad Autosomal Dominant, Autosomal Recessive and X-Linked Classification Criteria (2023). Collection method: clinical testing. Allele origin: unknown.
Comment: NM_000260.3(MYO7A):c.1780delC(Q594Rfs*28) is expected to be pathogenic in the context of MYO7A-related disorders. This variant is predicted to lead to an abnormal or absent protein product due to the creation of a premature termination codon in MYO7A, a gene where loss-of-function variants are known to be pathogenic. Please note: this variant was assessed in the context of healthy population screening.

NM_000260.4(MYO7A):c.1780del (p.Gln594fs)

Gene: MYO7A (myosin VIIA; plus strand). Cytogenetic location: 11q13.5.
Variant type: Deletion.
Coding change: c.1780del on transcript NM_000260.4 (MANE Select); coding-DNA position 1780, one base deleted (C; older notation c.1780delC).
Protein change: p.Gln594fs; shifts the reading frame from glutamine 594.
Molecular consequence: frameshift variant.
Genome position (GRCh38, 1-based): chr11:77,166,145, C deleted; the last of 2 consecutive C bases (chr11:77,166,144-77,166,145); deleting either gives the same sequence. VCF-style (leftmost placement, unchanged base first): chr11-77166143-TC-T. GRCh37 (hg19) VCF-style: chr11-76877189-TC-T.
Other names: c.1780del, p.Gln594fs (NM_001127180.2); c.1747del, p.Gln583fs (NM_001369365.1); short protein forms Q583fs, Q594fs.
Identifiers: ClinVar variation 5014350 (VCV005014350.1).